The following is an entry in ClinVar:

ClinVar aggregate classification (germline): Uncertain significance (1 of 4 stars; one submission).

Conditions:
Sialuria. Also called: SIALURIA, FRENCH TYPE; Sialic Acid Storage Disease. Identifiers: Orphanet 3166, MedGen C0342853, MONDO:0010028, OMIM 269921.
GNE myopathy (NM). Also called: NONAKA DISTAL MYOPATHY; INCLUSION BODY MYOPATHY, HEREDITARY, AUTOSOMAL RECESSIVE; INCLUSION BODY MYOPATHY 2, AUTOSOMAL RECESSIVE; MYOPATHY, DISTAL, WITH OR WITHOUT RIMMED VACUOLES; IBM 2; Inclusion body myopathy autosomal recessive. Identifiers: Orphanet 602, MedGen C1853926, MONDO:0011603, OMIM 605820.

Submission:

Labcorp Genetics (formerly Invitae), Labcorp
Classification: Uncertain significance for Sialuria; GNE myopathy. Last evaluated: 2023-03-20. Review status: criteria provided, single submitter. Criteria: Invitae Variant Classification Sherloc (09022015). Collection method: clinical testing. Allele origin: germline.
Comment: Advanced modeling of protein sequence and biophysical properties (such as structural, functional, and spatial information, amino acid conservation, physicochemical variation, residue mobility, and thermodynamic stability) has been performed at Invitae for this missense variant, however the output from this modeling did not meet the statistical confidence thresholds required to predict the impact of this variant on GNE protein function. This variant has not been reported in the literature in individuals affected with GNE-related conditions. This variant is not present in population databases (gnomAD no frequency). This sequence change replaces alanine, which is neutral and non-polar, with proline, which is neutral and non-polar, at codon 453 of the GNE protein (p.Ala453Pro). In summary, the available evidence is currently insufficient to determine the role of this variant in disease. Therefore, it has been classified as a Variant of Uncertain Significance.

NM_005476.7(GNE):c.1264G>C (p.Ala422Pro)

Gene: GNE (glucosamine (UDP-N-acetyl)-2-epimerase/N-acetylmannosamine kinase; minus strand). Cytogenetic location: 9p13.3.
Variant type: single nucleotide variant.
Coding change: c.1264G>C on transcript NM_005476.7 (MANE Select); coding-DNA position 1264, G replaced by C.
Protein change: p.Ala422Pro; replaces alanine 422 with proline.
Molecular consequence: missense variant.
Genome position (GRCh38, 1-based): chr9:36,227,265, C>G on the plus strand (G>C on the coding strand, the complement: GNE is on the minus strand). VCF-style: chr9-36227265-C-G. GRCh37 (hg19) VCF-style: chr9-36227262-C-G.
Other names: c.1087G>C, p.Ala363Pro (NM_001190388.2, NM_001374798.1); c.1111G>C, p.Ala371Pro (NM_001374797.1); c.1357G>C, p.Ala453Pro (NM_001128227.3); c.1264G>C, p.Ala422Pro (NM_001190383.3); c.934G>C, p.Ala312Pro (NM_001190384.3); short protein forms A312P, A363P, A371P, A453P, A422P.
Identifiers: ClinVar variation 2944320 (VCV002944320.3), dbSNP rs1828910974, ClinGen allele CA373428536.